The following is an entry in ClinVar:

NM_080680.3(COL11A2):c.798+64T>C

Gene: COL11A2 (collagen type XI alpha 2 chain; minus strand). Cytogenetic location: 6p21.32.
Variant type: single nucleotide variant.
Coding change: c.798+64T>C on transcript NM_080680.3 (MANE Select); 64 bases into the intron after coding-DNA position 798, T replaced by C.
Molecular consequence: intron variant. On other transcripts: missense variant (1).
Genome position (GRCh38, 1-based): chr6:33,186,563, A>G on the plus strand (T>C on the coding strand, the complement: COL11A2 is on the minus strand). VCF-style: chr6-33186563-A-G. GRCh37 (hg19) VCF-style: chr6-33154340-A-G.
Other names: c.862T>C, p.Ser288Pro (NM_001163771.2); c.798+64T>C (NM_080679.3, NM_080681.3); c.862T>C (NM_001163771.1); short protein forms S288P.
Identifiers: ClinVar variation 1223461 (VCV001223461.7), dbSNP rs760322593, ClinGen allele CA3751573.

ClinVar aggregate classification (germline): Conflicting classifications of pathogenicity. Review status: criteria provided, conflicting classifications (1 of 4 stars). 3 submissions from 3 submitters: Uncertain significance (2); Likely benign (1). Last evaluated 2025-05-19.

Conditions:
COL11A2-related disorder. Also called: COL11A2-related condition; COL11A2-related disorders.

Allele frequency attached by ClinVar (database versions not stated): gnomAD 0.00011 and 0.00010; gnomAD exomes 0.00002 and 0.00010; ExAC 0.00003; TOPMed 0.00007.
gnomAD v4.1: 162 of 1,613,010 alleles (0.01%); highest among the groups gnomAD compares: Non-Finnish European, 0.013%; no homozygotes.

Submissions (3):

GeneDx
Classification: Uncertain significance. Last evaluated: 2025-05-19. Review status: criteria provided, single submitter. Criteria: GeneDx Variant Classification Process June 2021. Collection method: clinical testing. Allele origin: germline. Affected: yes.
Comment: Reported in a patient with scoliosis in published literature (PMID: 26566670); Not observed at significant frequency in large population cohorts (gnomAD); In silico analysis supports that this missense variant does not alter protein structure/function; Reported using an alternate transcript of the gene; This variant is associated with the following publications: (PMID: 26566670)

PreventionGenetics, part of Exact Sciences
Classification: Uncertain significance for COL11A2-related condition. Last evaluated: 2025-03-31. Review status: criteria provided, single submitter. Criteria: ACMG Guidelines, 2015. Collection method: clinical testing. Allele origin: germline.
Comment: The COL11A2 c.862T>C variant is predicted to result in the amino acid substitution p.Ser288Pro. However, this variant is non-coding in the canonical transcript (NM_080680.2, c.798+64T>C). To our knowledge, this variant has not been reported in the literature. This variant is reported in 0.0047% of alleles in individuals of European (Non-Finnish) descent in gnomAD. At this time, the clinical significance of this variant is uncertain due to the absence of conclusive functional and genetic evidence.

Blueprint Genetics
Classification: Likely benign. Last evaluated: 2023-06-02. Review status: criteria provided, single submitter. Criteria: ACMG Guidelines, 2015. Collection method: clinical testing. Allele origin: germline.